The following is an entry in ClinVar:

NM_000528.4(MAN2B1):c.1030G>A (p.Ala344Thr)

Gene: MAN2B1 (mannosidase alpha class 2B member 1; minus strand). Cytogenetic location: 19p13.13.
Variant type: single nucleotide variant.
Coding change: c.1030G>A on transcript NM_000528.4 (MANE Select); coding-DNA position 1030, G replaced by A.
Protein change: p.Ala344Thr; replaces alanine 344 with threonine.
Molecular consequence: missense variant.
Genome position (GRCh38, 1-based): chr19:12,658,507, C>T on the plus strand (G>A on the coding strand, the complement: MAN2B1 is on the minus strand). VCF-style: chr19-12658507-C-T. GRCh37 (hg19) VCF-style: chr19-12769321-C-T.
Other names: c.1027G>A, p.Ala343Thr (NM_001173498.2); short protein forms A343T, A344T.
Identifiers: ClinVar variation 1303571 (VCV001303571.2), dbSNP rs2145262302, ClinGen allele CA404249021.

ClinVar aggregate classification (germline): Uncertain significance (1 of 4 stars; one submission).

Submission:

GeneDx
Classification: Uncertain significance. Last evaluated: 2020-09-03. Review status: criteria provided, single submitter. Criteria: GeneDx Variant Classification Process June 2021. Collection method: clinical testing. Allele origin: germline. Affected: yes.
Comment: Not observed in large population cohorts (Lek et al., 2016); In silico analysis supports that this missense variant does not alter protein structure/function; Has not been previously published as pathogenic or benign to our knowledge